The following is an entry in ClinVar:

ClinVar aggregate classification (germline): Uncertain significance. Review status: criteria provided, multiple submitters, no conflicts (2 of 4 stars). 2 submissions from 2 submitters: Uncertain significance (2). Last evaluated 2024-05-24.

gnomAD v4.1: 1 of 1,613,140 alleles (0.000062%); no homozygotes.

Submissions (2):

GeneDx
Classification: Uncertain significance. Last evaluated: 2024-05-24. Review status: criteria provided, single submitter. Criteria: GeneDx Variant Classification Process June 2021. Collection method: clinical testing. Allele origin: germline. Affected: yes.
Comment: Not observed at significant frequency in large population cohorts (gnomAD); In silico analysis supports that this missense variant has a deleterious effect on protein structure/function; Has not been previously published as pathogenic or benign to our knowledge; This variant is associated with the following publications: (PMID: 25031304, 32841044)

Blueprint Genetics
Classification: Uncertain significance. Last evaluated: 2020-03-04. Review status: criteria provided, single submitter. Criteria: ACMG Guidelines, 2015. Collection method: clinical testing. Allele origin: germline.

NM_000256.3(MYBPC3):c.742G>A (p.Asp248Asn)

Gene: MYBPC3 (myosin binding protein C3; minus strand). Cytogenetic location: 11p11.2.
Variant type: single nucleotide variant.
Coding change: c.742G>A on transcript NM_000256.3 (MANE Select); coding-DNA position 742, G replaced by A.
Protein change: p.Asp248Asn; replaces aspartic acid 248 with asparagine.
Molecular consequence: missense variant.
Genome position (GRCh38, 1-based): chr11:47,348,454, C>T on the plus strand (G>A on the coding strand, the complement: MYBPC3 is on the minus strand). VCF-style: chr11-47348454-C-T. GRCh37 (hg19) VCF-style: chr11-47370005-C-T.
Other names: short protein forms D248N.
Identifiers: ClinVar variation 3381649 (VCV003381649.2).